The following is an entry in ClinVar:

ClinVar aggregate classification (germline): Uncertain significance (1 of 4 stars; one submission).

Conditions:
Charcot-Marie-Tooth disease axonal type 2O. Also called: CHARCOT-MARIE-TOOTH NEUROPATHY, AXONAL, TYPE 2O; CHARCOT-MARIE-TOOTH DISEASE, AXONAL, AUTOSOMAL DOMINANT, TYPE 2O; Charcot-Marie-Tooth Neuropathy Type 2O; Charcot-Marie-Tooth disease, axonal, type 20. Identifiers: Orphanet 284232, MedGen C3280220, MONDO:0013644, OMIM 614228.

Submission:

Labcorp Genetics (formerly Invitae), Labcorp
Classification: Uncertain significance for Charcot-Marie-Tooth disease axonal type 2O. Last evaluated: 2023-12-28. Review status: criteria provided, single submitter. Criteria: Invitae Variant Classification Sherloc (09022015). Collection method: clinical testing. Allele origin: germline.
Comment: This sequence change affects codon 2492 of the DYNC1H1 mRNA. It is a 'silent' change, meaning that it does not change the encoded amino acid sequence of the DYNC1H1 protein. It affects a nucleotide within the consensus splice site. This variant is not present in population databases (gnomAD no frequency). This variant has not been reported in the literature in individuals affected with DYNC1H1-related conditions. Algorithms developed to predict the effect of sequence changes on RNA splicing suggest that this variant is not likely to affect RNA splicing. In summary, the available evidence is currently insufficient to determine the role of this variant in disease. Therefore, it has been classified as a Variant of Uncertain Significance.

NM_001376.5(DYNC1H1):c.7474C>A (p.Arg2492=)

Gene: DYNC1H1 (dynein cytoplasmic 1 heavy chain 1; plus strand). Cytogenetic location: 14q32.31.
Variant type: single nucleotide variant.
Coding change: c.7474C>A on transcript NM_001376.5 (MANE Select); coding-DNA position 7474, C replaced by A.
Protein change: p.Arg2492=; no amino-acid change (arginine 2492 retained).
Molecular consequence: synonymous variant.
Genome position (GRCh38, 1-based): chr14:102,016,349, C>A. VCF-style: chr14-102016349-C-A. GRCh37 (hg19) VCF-style: chr14-102482686-C-A.
Identifiers: ClinVar variation 2796742 (VCV002796742.3), dbSNP rs2048322542, ClinGen allele CA487962332.